The following is an entry in ClinVar:

NM_004855.5(PIGB):c.1198G>A (p.Ala400Thr)

Gene: PIGB (phosphatidylinositol glycan anchor biosynthesis class B; plus strand). Cytogenetic location: 15q21.3.
Variant type: single nucleotide variant.
Coding change: c.1198G>A on transcript NM_004855.5 (MANE Select); coding-DNA position 1198, G replaced by A.
Protein change: p.Ala400Thr; replaces alanine 400 with threonine.
Molecular consequence: missense variant.
Genome position (GRCh38, 1-based): chr15:55,350,773, G>A. VCF-style: chr15-55350773-G-A. GRCh37 (hg19) VCF-style: chr15-55642971-G-A.
Other names: c.1198G>A (NM_004855.4); short protein forms A400T.
Identifiers: ClinVar variation 2176802 (VCV002176802.4), dbSNP rs199699580, ClinGen allele CA7574033.
Genomic context (GRCh38, chr15:55,350,773, plus strand): 5'-CACCTGAAAACATGGAAGAAACCAGCTCTAAGTTTCCTGTTTTTATCAAATTTGTTCCTC[G>A]CCCTTTATACTGGTTTAGTTCATCAACGAGGTACTCTTGATGTCATGAGTCATATTCAAA-3'
Protein context (NP_004846.4, residues 390-410): SFLFLSNLFL[Ala400Thr]LYTGLVHQRG

ClinVar aggregate classification (germline): Uncertain significance. Review status: criteria provided, multiple submitters, no conflicts (2 of 4 stars). 3 submissions from 3 submitters: Uncertain significance (3). Last evaluated 2025-04-22.

Conditions:
Inborn genetic diseases. Identifiers: MedGen C0950123, MeSH D030342.

Allele frequency attached by ClinVar (database versions not stated): TOPMed 0.00002; ExAC 0.00003; gnomAD 0.00003; ESP Exome Variant Server 0.00008; 1000 Genomes Project 0.00020; 1000 Genomes Project 30x 0.00031.

Submissions (3):

GeneDx
Classification: Uncertain significance. Last evaluated: 2025-04-22. Review status: criteria provided, single submitter. Criteria: GeneDx Variant Classification Process June 2021. Collection method: clinical testing. Allele origin: germline. Affected: yes.
Comment: In silico analysis supports that this missense variant has a deleterious effect on protein structure/function; Has not been previously published as pathogenic or benign to our knowledge

Ambry Genetics
Classification: Uncertain significance for Inborn genetic diseases. Last evaluated: 2024-07-08. Review status: criteria provided, single submitter. Criteria: Ambry Variant Classification Scheme 2023. Collection method: clinical testing. Allele origin: germline.

Labcorp Genetics (formerly Invitae), Labcorp
Classification: Uncertain significance. Last evaluated: 2022-08-09. Review status: criteria provided, single submitter. Criteria: Invitae Variant Classification Sherloc (09022015). Collection method: clinical testing. Allele origin: germline.
Comment: In summary, the available evidence is currently insufficient to determine the role of this variant in disease. Therefore, it has been classified as a Variant of Uncertain Significance. Algorithms developed to predict the effect of missense changes on protein structure and function are either unavailable or do not agree on the potential impact of this missense change (SIFT: "Deleterious"; PolyPhen-2: "Benign"; Align-GVGD: "Class C0"). This variant has not been reported in the literature in individuals affected with PIGB-related conditions. This variant is present in population databases (rs199699580, gnomAD 0.01%). This sequence change replaces alanine, which is neutral and non-polar, with threonine, which is neutral and polar, at codon 400 of the PIGB protein (p.Ala400Thr).

Literature cited by the submitters: PubMed 25961944 (cited by Ambry Genetics); PubMed 27956632 (cited by Ambry Genetics).